The following is an entry in ClinVar:

NM_000214.3(JAG1):c.1043G>A (p.Arg348Lys)

Gene: JAG1 (jagged canonical Notch ligand 1; minus strand). Cytogenetic location: 20p12.2.
Variant type: single nucleotide variant.
Coding change: c.1043G>A on transcript NM_000214.3 (MANE Select); coding-DNA position 1043, G replaced by A.
Protein change: p.Arg348Lys; replaces arginine 348 with lysine.
Molecular consequence: missense variant.
Genome position (GRCh38, 1-based): chr20:10,651,658, C>T on the plus strand (G>A on the coding strand, the complement: JAG1 is on the minus strand). VCF-style: chr20-10651658-C-T. GRCh37 (hg19) VCF-style: chr20-10632306-C-T.
Other names: c.1043G>A, p.Arg348Lys (LRG_1191t1); short protein forms R348K.
Identifiers: ClinVar variation 432993 (VCV000432993.15), dbSNP rs200227737, ClinGen allele CA9764986.

ClinVar aggregate classification (germline): Likely benign. Review status: criteria provided, multiple submitters, no conflicts (2 of 4 stars). 4 submissions from 4 submitters: Likely benign (3). 1 of the submissions does not count toward it. Last evaluated 2025-12-01.

Conditions:
JAG1-related disorder. Also called: JAG1-related condition; JAG1-related disorders.
Alagille syndrome due to a JAG1 point mutation. Also called: Alagille Syndrome 1; HEPATIC DUCTULAR HYPOPLASIA, SYNDROMATIC; JAG1-Related Alagille Syndrome. Identifiers: Orphanet 261619, Orphanet 52, MedGen C1956125, MONDO:0016862, OMIM 118450.

Allele frequency attached by ClinVar (database versions not stated): TOPMed 0.00003; gnomAD 0.00014 and 0.00015; ExAC 0.00023; gnomAD exomes 0.00025.
gnomAD v4.1: 243 of 1,613,984 alleles (0.015%); highest among the groups gnomAD compares: Middle Eastern, 0.016%; no homozygotes.

Submissions (4):

Labcorp Genetics (formerly Invitae), Labcorp
Classification: Likely benign for Alagille syndrome due to a JAG1 point mutation. Last evaluated: 2025-12-01. Review status: criteria provided, single submitter. Criteria: Invitae Variant Classification Sherloc (09022015). Collection method: clinical testing. Allele origin: germline.

GeneDx
Classification: Likely benign. Last evaluated: 2018-06-04. Review status: criteria provided, single submitter. Criteria: GeneDx Variant Classification Process June 2021. Collection method: clinical testing. Allele origin: germline. Affected: yes.

Eurofins Ntd Llc (ga)
Classification: Likely benign. Last evaluated: 2018-02-06. Review status: criteria provided, single submitter. Criteria: EGL Classification Definitions 2015. Collection method: clinical testing. Allele origin: germline. Observed: 1 variant allele, 1 heterozygote.

PreventionGenetics, part of Exact Sciences
Classification: Likely benign for JAG1-related condition. Last evaluated: 2024-02-19. Review status: no assertion criteria provided. Collection method: clinical testing. Allele origin: germline. Not counted in ClinVar's aggregate classification.
Comment: This variant is classified as likely benign based on ACMG/AMP sequence variant interpretation guidelines (Richards et al. 2015 PMID: 25741868, with internal and published modifications).